The following is an entry in ClinVar:

ClinVar aggregate classification (germline): Uncertain significance. Review status: criteria provided, multiple submitters, no conflicts (2 of 4 stars). 2 submissions from 2 submitters: Uncertain significance (2). Last evaluated 2025-05-03.

Submissions (2):

Women's Health and Genetics/Laboratory Corporation of America, LabCorp
Classification: Uncertain significance. Last evaluated: 2025-05-03. Review status: criteria provided, single submitter. Criteria: LabCorp Variant Classification Summary - May 2015. Collection method: clinical testing. Allele origin: germline.
Comment: Variant summary: SRCAP c.8209C>T (p.Arg2737Trp) results in a non-conservative amino acid change in the encoded protein sequence. Algorithms developed to predict the effect of missense changes on protein structure and function are either unavailable or do not agree on the potential impact of this missense change. The variant allele was found at a frequency of 3.6e-05 in 249866 control chromosomes. The available data on variant occurrences in the general population are insufficient to allow any conclusion about variant significance. To our knowledge, no occurrence of c.8209C>T in individuals affected with Floating-Harbor Syndrome and no experimental evidence demonstrating its impact on protein function have been reported. ClinVar contains an entry for this variant (Variation ID: 3375033). Based on the evidence outlined above, the variant was classified as uncertain significance.

Labcorp Genetics (formerly Invitae), Labcorp
Classification: Uncertain significance. Last evaluated: 2024-04-18. Review status: criteria provided, single submitter. Criteria: Invitae Variant Classification Sherloc (09022015). Collection method: clinical testing. Allele origin: germline.
Comment: This sequence change replaces arginine, which is basic and polar, with tryptophan, which is neutral and slightly polar, at codon 2737 of the SRCAP protein (p.Arg2737Trp). This variant is present in population databases (rs770652502, gnomAD 0.02%). This variant has not been reported in the literature in individuals affected with SRCAP-related conditions. Advanced modeling of protein sequence and biophysical properties (such as structural, functional, and spatial information, amino acid conservation, physicochemical variation, residue mobility, and thermodynamic stability) performed at Invitae indicates that this missense variant is not expected to disrupt SRCAP protein function with a negative predictive value of 80%. In summary, the available evidence is currently insufficient to determine the role of this variant in disease. Therefore, it has been classified as a Variant of Uncertain Significance.

NM_006662.3(SRCAP):c.8209C>T (p.Arg2737Trp)

Gene: SRCAP (Snf2 related CREBBP activator protein; plus strand). Cytogenetic location: 16p11.2.
Variant type: single nucleotide variant.
Coding change: c.8209C>T on transcript NM_006662.3 (MANE Select); coding-DNA position 8209, C replaced by T.
Protein change: p.Arg2737Trp; replaces arginine 2737 with tryptophan.
Molecular consequence: missense variant.
Genome position (GRCh38, 1-based): chr16:30,738,249, C>T. VCF-style: chr16-30738249-C-T. GRCh37 (hg19) VCF-style: chr16-30749570-C-T.
Other names: short protein forms R2737W.
Identifiers: ClinVar variation 3375033 (VCV003375033.4).